The following is an entry in ClinVar:

NM_006019.4(TCIRG1):c.2028C>T (p.Ala676=)

Gene: TCIRG1 (T cell immune regulator 1, ATPase H+ transporting V0 subunit a3; plus strand). Cytogenetic location: 11q13.2.
Variant type: single nucleotide variant.
Coding change: c.2028C>T on transcript NM_006019.4 (MANE Select); coding-DNA position 2028, C replaced by T.
Protein change: p.Ala676=; no amino-acid change (alanine 676 retained).
Molecular consequence: synonymous variant.
Genome position (GRCh38, 1-based): chr11:68,049,976, C>T. VCF-style: chr11-68049976-C-T. GRCh37 (hg19) VCF-style: chr11-67817443-C-T.
Other names: c.1134C>T, p.Ala378= (NM_001351059.2); c.1380C>T, p.Ala460= (NM_006053.4).
Identifiers: ClinVar variation 305814 (VCV000305814.38), dbSNP rs370181947, ClinGen allele CA6147369.

ClinVar aggregate classification (germline): Conflicting classifications of pathogenicity. Review status: criteria provided, conflicting classifications (1 of 4 stars). 5 submissions from 5 submitters: Uncertain significance (1); Likely benign (2). 2 of the submissions do not count toward it. Last evaluated 2026-01-25.

Conditions:
TCIRG1-related disorder. Also called: TCIRG1-related condition.
Autosomal recessive osteopetrosis 1. Also called: TCIRG1-Related Osteopetrosis; ALBERS-SCHONBERG DISEASE, AUTOSOMAL RECESSIVE; TCIRG1-Related Autosomal Recessive Osteopetrosis. Identifiers: Orphanet 667, MedGen C1850127, MONDO:0009815, OMIM 259700.

Allele frequency attached by ClinVar (database versions not stated): TOPMed 0.00004; gnomAD 0.00005 and 0.00006; ESP Exome Variant Server 0.00008; gnomAD exomes 0.00011; ExAC 0.00013.
gnomAD v4.1: 120 of 1,611,616 alleles (0.0074%); highest among the groups gnomAD compares: East Asian, 0.047%; no homozygotes.

Submissions (5):

Labcorp Genetics (formerly Invitae), Labcorp
Classification: Likely benign. Last evaluated: 2026-01-25. Review status: criteria provided, single submitter. Criteria: Invitae Variant Classification Sherloc (09022015). Collection method: clinical testing. Allele origin: germline.

CeGaT Center for Human Genetics Tuebingen
Classification: Likely benign. Last evaluated: 2024-02-01. Review status: criteria provided, single submitter. Criteria: CeGaT Center For Human Genetics Tuebingen Variant Classification Criteria Version 2. Collection method: clinical testing. Allele origin: germline. Affected: yes. Observed: 1 variant allele.
Comment: TCIRG1: BP4, BP7

Illumina Laboratory Services, Illumina
Classification: Uncertain significance for Autosomal recessive osteopetrosis 1. Last evaluated: 2018-01-13. Review status: criteria provided, single submitter. Criteria: ICSL Variant Classification Criteria 13 December 2019. Collection method: clinical testing. Allele origin: germline.

PreventionGenetics, part of Exact Sciences
Classification: Likely benign for TCIRG1-related condition. Last evaluated: 2022-04-21. Review status: no assertion criteria provided. Collection method: clinical testing. Allele origin: germline. Not counted in ClinVar's aggregate classification.
Comment: This variant is classified as likely benign based on ACMG/AMP sequence variant interpretation guidelines (Richards et al. 2015 PMID: 25741868, with internal and published modifications).

Natera, Inc.
Classification: Uncertain significance for Infantile malignant osteopetrosis. Last evaluated: 2020-04-16. Review status: no assertion criteria provided. Collection method: clinical testing. Allele origin: germline. Not counted in ClinVar's aggregate classification.